The following is an entry in ClinVar:

ClinVar aggregate classification (germline): Uncertain significance (1 of 4 stars; one submission).

Allele frequency attached by ClinVar (database versions not stated): ExAC 0.00001.

Submission:

Labcorp Genetics (formerly Invitae), Labcorp
Classification: Uncertain significance. Last evaluated: 2022-07-26. Review status: criteria provided, single submitter. Criteria: Invitae Variant Classification Sherloc (09022015). Collection method: clinical testing. Allele origin: germline.
Comment: This sequence change replaces aspartic acid, which is acidic and polar, with asparagine, which is neutral and polar, at codon 136 of the C8orf37 protein (p.Asp136Asn). This variant is present in population databases (rs774293891, gnomAD 0.0009%). This variant has not been reported in the literature in individuals affected with C8orf37-related conditions. Algorithms developed to predict the effect of missense changes on protein structure and function are either unavailable or do not agree on the potential impact of this missense change (SIFT: "Tolerated"; PolyPhen-2: "Probably Damaging"; Align-GVGD: "Class C0"). In summary, the available evidence is currently insufficient to determine the role of this variant in disease. Therefore, it has been classified as a Variant of Uncertain Significance.

NM_177965.4(CFAP418):c.406G>A (p.Asp136Asn)

Gene: CFAP418 (cilia and flagella associated protein 418; minus strand). Cytogenetic location: 8q22.1.
Variant type: single nucleotide variant.
Coding change: c.406G>A on transcript NM_177965.4 (MANE Select); coding-DNA position 406, G replaced by A.
Protein change: p.Asp136Asn; replaces aspartic acid 136 with asparagine.
Molecular consequence: missense variant. On other transcripts: intron variant (1).
Genome position (GRCh38, 1-based): chr8:95,252,252, C>T on the plus strand (G>A on the coding strand, the complement: CFAP418 is on the minus strand). VCF-style: chr8-95252252-C-T. GRCh37 (hg19) VCF-style: chr8-96264480-C-T.
Other names: c.375-4482G>A (NM_001363260.1); short protein forms D136N.
Identifiers: ClinVar variation 2035943 (VCV002035943.4), dbSNP rs774293891, ClinGen allele CA4815146.